The following is an entry in ClinVar:

NC_012920.1(MT-CYB):m.14831G>A

Gene: MT-CYB (mitochondrially encoded cytochrome b; plus strand).
Variant type: single nucleotide variant.
Genome position: chrM-14831-G-A.
Identifiers: ClinVar variation 65517 (VCV000065517.4), dbSNP rs199795644, ClinGen allele CA344826.
Genomic context (GRCh38, chrMT:14,831, plus strand): 5'-CCCCTAATAAAATTAATTAACCACTCATTCATCGACCTCCCCACCCCATCCAACATCTCC[G>A]CATGATGAAACTTCGGCTCACTCCTTGGCGCCTGCCTGATCCTCCAAATCACCACAGGAC-3'

ClinVar aggregate classification (germline): Benign. Review status: criteria provided, single submitter (1 of 4 stars). 2 submissions from 2 submitters: Benign (1). 1 of the submissions does not count toward it. Last evaluated 2019-10-17.

Conditions:
Leber optic atrophy (LHON). Also called: Leber's disease; Leber's optic atrophy; Leber hereditary optic neuropathy; Optic Atrophy, Hereditary, Leber. Identifiers: Orphanet 104, MedGen C0917796, MONDO:0010788, OMIM 535000, HP:0001112.
Leigh syndrome (NULS). Also called: LEIGH SYNDROME, NUCLEAR; Leigh's syndrome; Subacute necrotizing encephalopathy; Necrotizing encephalopathy infantile subacute of Leigh; Leigh Disease; Leigh Syndrome (mtDNA deletion). Identifiers: Orphanet 506, MedGen C2931891, MONDO:0009723, OMIM 256000.

Submissions (2):

Wong Mito Lab, Molecular and Human Genetics, Baylor College of Medicine
Classification: Benign for Leigh syndrome. Last evaluated: 2019-10-17. Review status: criteria provided, single submitter. Criteria: Modified ACMG Guidelines (Unpublished). Collection method: clinical testing. Allele origin: germline.
Comment: The NC_012920.1:m.14831G>A (YP_003024038.1:p.Ala29Thr) variant in MTCYB gene is interpretated to be a Benign variant based on the modified ACMG guidelines (unpublished). This variant meets the following evidence codes: BS1, BS2, BP4

GeneReviews
No classification provided. Condition: Leber optic atrophy. Review status: no classification provided. Collection method: literature only. Allele origin: maternal. Not counted in ClinVar's aggregate classification.

Literature cited by the submitters: PubMed 30143805 (cited by GeneReviews); PubMed 20301353 (cited by GeneReviews).